The following is an entry in ClinVar:

NM_052947.4(ALPK2):c.5013T>A (p.Asp1671Glu)

Genes: ALPK2 (alpha kinase 2; minus strand), LOC130062577 (ATAC-STARR-seq lymphoblastoid active region 13389; plus strand). Cytogenetic location: 18q21.31.
Variant type: single nucleotide variant.
Coding change: c.5013T>A on transcript NM_052947.4 (MANE Select); coding-DNA position 5013, T replaced by A.
Protein change: p.Asp1671Glu; replaces aspartic acid 1671 with glutamic acid.
Molecular consequence: missense variant.
Genome position (GRCh38, 1-based): chr18:58,535,174, A>T on the plus strand (T>A on the coding strand, the complement: ALPK2 is on the minus strand). VCF-style: chr18-58535174-A-T. GRCh37 (hg19) VCF-style: chr18-56202406-A-T.
Other names: short protein forms D1671E.
Identifiers: ClinVar variation 1744773 (VCV001744773.2), dbSNP rs2518873659, ClinGen allele CA402558904.

ClinVar aggregate classification (germline): Uncertain significance (1 of 4 stars; one submission).

Allele frequency attached by ClinVar (database versions not stated): gnomAD exomes below 0.00001.
gnomAD v4.1: 1 of 1,613,964 alleles (0.000062%); highest among the groups gnomAD compares: Non-Finnish European, 0.000085%; no homozygotes.

Submission:

Ambry Genetics
Classification: Uncertain significance. Last evaluated: 2021-06-30. Review status: criteria provided, single submitter. Criteria: Ambry Variant Classification Scheme 2023. Collection method: clinical testing. Allele origin: germline.
Comment: The p.D1671E variant (also known as c.5013T>A), located in coding exon 4 of the ALPK2 gene, results from a T to A substitution at nucleotide position 5013. The aspartic acid at codon 1671 is replaced by glutamic acid, an amino acid with highly similar properties. This amino acid position is conserved. In addition, this alteration is predicted to be tolerated by in silico analysis. Since supporting evidence is limited at this time, the clinical significance of this alteration remains unclear.